The following is an entry in ClinVar:

ClinVar aggregate classification (germline): Uncertain significance (1 of 4 stars; one submission).

Conditions:
Hereditary cancer-predisposing syndrome. Also called: Neoplastic Syndromes, Hereditary; Tumor predisposition; Hereditary Cancer Syndrome; Hereditary neoplastic syndrome. Identifiers: Orphanet 140162, MedGen C0027672, MeSH D009386, MONDO:0015356.

gnomAD v4.1: 1 of 1,613,938 alleles (0.000062%); highest among the groups gnomAD compares: Non-Finnish European, 0.000085%; no homozygotes.

Submission:

Ambry Genetics
Classification: Uncertain significance for Hereditary cancer-predisposing syndrome. Last evaluated: 2026-02-16. Review status: criteria provided, single submitter. Criteria: Ambry Variant Classification Scheme 2023. Collection method: clinical testing. Allele origin: germline.
Comment: The p.T1044I variant (also known as c.3131C>T), located in coding exon 22 of the PDGFRA gene, results from a C to T substitution at nucleotide position 3131. The threonine at codon 1044 is replaced by isoleucine, an amino acid with similar properties. This amino acid position is conserved. In addition, the in silico prediction for this alteration is inconclusive. Based on the available evidence, the clinical significance of this variant remains unclear.

NM_006206.6(PDGFRA):c.3131C>T (p.Thr1044Ile)

Gene: PDGFRA (platelet derived growth factor receptor alpha; plus strand). Cytogenetic location: 4q12.
Variant type: single nucleotide variant.
Coding change: c.3131C>T on transcript NM_006206.6 (MANE Select); coding-DNA position 3131, C replaced by T.
Protein change: p.Thr1044Ile; replaces threonine 1044 with isoleucine.
Molecular consequence: missense variant.
Genome position (GRCh38, 1-based): chr4:54,295,133, C>T. VCF-style: chr4-54295133-C-T. GRCh37 (hg19) VCF-style: chr4-55161300-C-T.
Other names: c.3206C>T, p.Thr1069Ile (NM_001347828.2); c.3131C>T, p.Thr1044Ile (NM_001347829.2); c.3170C>T, p.Thr1057Ile (NM_001347830.2); short protein forms T1069I, T1057I, T1044I.
Identifiers: ClinVar variation 4825452 (VCV004825452.1).